The following is an entry in ClinVar:

ClinVar aggregate classification (germline): Uncertain significance (1 of 4 stars; one submission).

Submission:

Women's Health and Genetics/Laboratory Corporation of America, LabCorp
Classification: Uncertain significance. Last evaluated: 2026-03-25. Review status: criteria provided, single submitter. Criteria: LabCorp Variant Classification Summary - May 2015. Collection method: clinical testing. Allele origin: germline.
Comment: Variant summary: MACF1 c.8853G>T (p.Arg2951Ser) results in a non-conservative amino acid change in the encoded protein sequence. Algorithms developed to predict the effect of missense changes on protein structure and function are either unavailable or do not agree on the potential impact of this missense change. The variant was absent in 250088 control chromosomes. The available data on variant occurrences in the general population are insufficient to allow any conclusion about variant significance. To our knowledge, no occurrence of c.8853G>T in individuals affected with MACF1-related conditions and no experimental evidence demonstrating its impact on protein function have been reported. No submitters have cited clinical-significance assessments for this variant to ClinVar. Based on the evidence outlined above, the variant was classified as uncertain significance.

NM_001394062.1(MACF1):c.15039G>T (p.Arg5013Ser)

Genes: MACF1 (microtubule actin crosslinking factor 1; plus strand), LOC114803468 (MACF1 eExon liver enhancer; plus strand). Cytogenetic location: 1p34.3.
Variant type: single nucleotide variant.
Coding change: c.15039G>T on transcript NM_001394062.1 (MANE Select); coding-DNA position 15039, G replaced by T.
Protein change: p.Arg5013Ser; replaces arginine 5013 with serine.
Molecular consequence: missense variant.
Genome position (GRCh38, 1-based): chr1:39,387,881, G>T. VCF-style: chr1-39387881-G-T. GRCh37 (hg19) VCF-style: chr1-39853553-G-T.
Other names: c.8853G>T, p.Arg2951Ser (NM_012090.5); short protein forms R2951S, R5013S.
Identifiers: ClinVar variation 4847690 (VCV004847690.1).